The following is an entry in ClinVar:

NM_006922.4(SCN3A):c.5183C>T (p.Pro1728Leu)

Gene: SCN3A (sodium voltage-gated channel alpha subunit 3; minus strand). Cytogenetic location: 2q24.3.
Variant type: single nucleotide variant.
Coding change: c.5183C>T on transcript NM_006922.4 (MANE Select); coding-DNA position 5183, C replaced by T.
Protein change: p.Pro1728Leu; replaces proline 1728 with leucine.
Molecular consequence: missense variant.
Genome position (GRCh38, 1-based): chr2:165,090,970, G>A on the plus strand (C>T on the coding strand, the complement: SCN3A is on the minus strand). VCF-style: chr2-165090970-G-A. GRCh37 (hg19) VCF-style: chr2-165947480-G-A.
Other names: c.5183C>T (NM_006922.3); c.5036C>T, p.Pro1679Leu (NM_001081676.2, NM_001081677.2); short protein forms P1728L, P1679L.
Identifiers: ClinVar variation 2036884 (VCV002036884.6), dbSNP rs746231328, ClinGen allele CA1938428.

ClinVar aggregate classification (germline): Uncertain significance. Review status: criteria provided, multiple submitters, no conflicts (2 of 4 stars). 3 submissions from 3 submitters: Uncertain significance (3). Last evaluated 2025-09-11.

Conditions:
Inborn genetic diseases. Identifiers: MedGen C0950123, MeSH D030342.

Allele frequency attached by ClinVar (database versions not stated): gnomAD exomes below 0.00001; ExAC 0.00001; gnomAD 0.00001; TOPMed 0.00002.
gnomAD v4.1: 2 of 1,614,020 alleles (0.00012%); highest among the groups gnomAD compares: Admixed American, 0.0017%; no homozygotes.

Submissions (3):

Ambry Genetics
Classification: Uncertain significance for Inborn genetic diseases. Last evaluated: 2025-09-11. Review status: criteria provided, single submitter. Criteria: Ambry Variant Classification Scheme 2023. Collection method: clinical testing. Allele origin: germline.

Labcorp Genetics (formerly Invitae), Labcorp
Classification: Uncertain significance. Last evaluated: 2022-10-13. Review status: criteria provided, single submitter. Criteria: Invitae Variant Classification Sherloc (09022015). Collection method: clinical testing. Allele origin: germline.
Comment: This sequence change replaces proline, which is neutral and non-polar, with leucine, which is neutral and non-polar, at codon 1728 of the SCN3A protein (p.Pro1728Leu). This variant is present in population databases (rs746231328, gnomAD 0.0009%). This variant has not been reported in the literature in individuals affected with SCN3A-related conditions. Advanced modeling of protein sequence and biophysical properties (such as structural, functional, and spatial information, amino acid conservation, physicochemical variation, residue mobility, and thermodynamic stability) has been performed at Invitae for this missense variant, however the output from this modeling did not meet the statistical confidence thresholds required to predict the impact of this variant on SCN3A protein function. In summary, the available evidence is currently insufficient to determine the role of this variant in disease. Therefore, it has been classified as a Variant of Uncertain Significance.

GeneDx
Classification: Uncertain significance. Last evaluated: 2022-09-29. Review status: criteria provided, single submitter. Criteria: GeneDx Variant Classification Process June 2021. Collection method: clinical testing. Allele origin: germline. Affected: yes.
Comment: Not observed at significant frequency in large population cohorts (gnomAD); In silico analysis supports that this missense variant has a deleterious effect on protein structure/function; Has not been previously published as pathogenic or benign to our knowledge